The following is an entry in ClinVar:

NM_001127222.2(CACNA1A):c.4064C>T (p.Thr1355Ile)

Gene: CACNA1A (calcium voltage-gated channel subunit alpha1 A; minus strand). Cytogenetic location: 19p13.13.
Variant type: single nucleotide variant.
Coding change: c.4064C>T on transcript NM_001127222.2 (MANE Select); coding-DNA position 4064, C replaced by T.
Protein change: p.Thr1355Ile; replaces threonine 1355 with isoleucine.
Molecular consequence: missense variant.
Genome position (GRCh38, 1-based): chr19:13,262,759, G>A on the plus strand (C>T on the coding strand, the complement: CACNA1A is on the minus strand). VCF-style: chr19-13262759-G-A. GRCh37 (hg19) VCF-style: chr19-13373573-G-A.
Other names: c.4067C>T (NM_001127221.1); c.4076C>T, p.Thr1359Ile (NM_000068.4, NM_023035.3); c.4067C>T, p.Thr1356Ile (NM_001127221.2, NM_001174080.2); short protein forms T1355I, T1356I, T1359I.
Identifiers: ClinVar variation 1000333 (VCV001000333.13), dbSNP rs2056767062, ClinGen allele CA404339961.

ClinVar aggregate classification (germline): Conflicting classifications of pathogenicity. Review status: criteria provided, conflicting classifications (1 of 4 stars). 4 submissions from 4 submitters: Pathogenic (2); Uncertain significance (2). Last evaluated 2022-03-20.

Conditions:
Developmental and epileptic encephalopathy, 42 (DEE42A). Also called: Epileptic encephalopathy, early infantile, 42; DEVELOPMENTAL AND EPILEPTIC ENCEPHALOPATHY 42A; EPILEPTIC ENCEPHALOPATHY, EARLY INFANTILE, 42A. Identifiers: MedGen C4310716, MONDO:0014917, OMIM 617106.
Episodic ataxia type 2 (EA2). Also called: ACETAZOLAMIDE-RESPONSIVE HEREDITARY PAROXYSMAL CEREBELLAR ATAXIA; ATAXIA, EPISODIC, WITH NYSTAGMUS; ATAXIA, FAMILIAL PAROXYSMAL; CEREBELLAR ATAXIA, PAROXYSMAL, ACETAZOLAMIDE-RESPONSIVE; CEREBELLOPATHY, HEREDITARY PAROXYSMAL; EPISODIC ATAXIA, NYSTAGMUS-ASSOCIATED. Identifiers: Orphanet 97, MedGen C1720416, MONDO:0007163, OMIM 108500.
Developmental and epileptic encephalopathy, 52 (DEE52). Also called: Epileptic encephalopathy, early infantile, 52. Identifiers: MedGen C4479236, MONDO:0033361, OMIM 617350.
Spinocerebellar ataxia type 6 (SCA6). Identifiers: Orphanet 98758, MedGen C0752124, MONDO:0008457, OMIM 183086.
Migraine, familial hemiplegic, 1. Also called: MIGRAINE, FAMILIAL HEMIPLEGIC 1, WITH PROGRESSIVE CEREBELLAR ATAXIA. Identifiers: Orphanet 569, MedGen C1832884, MONDO:0020756, OMIM 141500, MONDO:0007714.

Submissions (4):

Wendy Chung Laboratory, Boston Children's Hospital
Classification: Pathogenic for Developmental and epileptic encephalopathy, 52; Episodic ataxia type 2; Migraine, familial hemiplegic, 1; Spinocerebellar ataxia type 6. Last evaluated: 2022-03-20. Review status: criteria provided, single submitter. Criteria: ACMG Guidelines, 2015. Collection method: clinical testing. Allele origin: unknown. Affected: yes.

Revvity Omics, Revvity
Classification: Uncertain significance. Last evaluated: 2022-02-12. Review status: criteria provided, single submitter. Criteria: ACMG Guidelines, 2015. Collection method: clinical testing. Allele origin: germline.

Labcorp Genetics (formerly Invitae), Labcorp
Classification: Uncertain significance for Developmental and epileptic encephalopathy, 42; Episodic ataxia type 2. Last evaluated: 2020-10-09. Review status: criteria provided, single submitter. Criteria: Invitae Variant Classification Sherloc (09022015). Collection method: clinical testing. Allele origin: germline.
Comment: This sequence change replaces threonine with isoleucine at codon 1356 of the CACNA1A protein (p.Thr1356Ile). The threonine residue is highly conserved and there is a moderate physicochemical difference between threonine and isoleucine. This variant is not present in population databases (ExAC no frequency). This variant has not been reported in the literature in individuals with CACNA1A-related conditions. Advanced modeling of protein sequence and biophysical properties (such as structural, functional, and spatial information, amino acid conservation, physicochemical variation, residue mobility, and thermodynamic stability) performed at Invitae indicates that this missense variant is expected to disrupt CACNA1A protein function. In summary, the available evidence is currently insufficient to determine the role of this variant in disease. Therefore, it has been classified as a Variant of Uncertain Significance.

Molecular Genetics Lab, CHRU Brest
Classification: Pathogenic for Developmental and epileptic encephalopathy, 42; Spinocerebellar ataxia type 6; Migraine, familial hemiplegic, 1; Episodic ataxia type 2. Review status: criteria provided, single submitter. Criteria: ACMG Guidelines, 2015. Collection method: clinical testing. Allele origin: de novo. Affected: yes.